The following is an entry in ClinVar:

NM_000334.4(SCN4A):c.4286T>C (p.Val1429Ala)

Genes: SCN4A (sodium voltage-gated channel alpha subunit 4; minus strand), GH-LCR (growth hormone locus control region; plus strand). Cytogenetic location: 17q23.3.
Variant type: single nucleotide variant.
Coding change: c.4286T>C on transcript NM_000334.4 (MANE Select); coding-DNA position 4286, T replaced by C.
Protein change: p.Val1429Ala; replaces valine 1429 with alanine.
Molecular consequence: missense variant.
Genome position (GRCh38, 1-based): chr17:63,942,828, A>G on the plus strand (T>C on the coding strand, the complement: SCN4A is on the minus strand). VCF-style: chr17-63942828-A-G. GRCh37 (hg19) VCF-style: chr17-62020188-A-G.
Other names: short protein forms V1429A.
Identifiers: ClinVar variation 1464118 (VCV001464118.8), dbSNP rs1267823304, ClinGen allele CA400616317.

ClinVar aggregate classification (germline): Uncertain significance (1 of 4 stars; one submission).

Conditions:
Hyperkalemic periodic paralysis. Also called: Familial hyperkalemic periodic paralysis; Gamstorp disease. Identifiers: Orphanet 682, MedGen C0238357, MONDO:0008224, OMIM 170500, HP:0007215.

gnomAD v4.1: 1 of 1,613,538 alleles (0.000062%); highest among the groups gnomAD compares: Non-Finnish European, 0.000085%; no homozygotes.

Submission:

Labcorp Genetics (formerly Invitae), Labcorp
Classification: Uncertain significance for Hyperkalemic periodic paralysis. Last evaluated: 2021-06-15. Review status: criteria provided, single submitter. Criteria: Invitae Variant Classification Sherloc (09022015). Collection method: clinical testing. Allele origin: germline.
Comment: In summary, the available evidence is currently insufficient to determine the role of this variant in disease. Therefore, it has been classified as a Variant of Uncertain Significance. Algorithms developed to predict the effect of missense changes on protein structure and function output the following: SIFT: "Tolerated"; PolyPhen-2: "Benign"; Align-GVGD: "Class C0". The alanine amino acid residue is found in multiple mammalian species, suggesting that this missense change does not adversely affect protein function. These predictions have not been confirmed by published functional studies and their clinical significance is uncertain. This variant has not been reported in the literature in individuals with SCN4A-related conditions. This variant is not present in population databases (ExAC no frequency). This sequence change replaces valine with alanine at codon 1429 of the SCN4A protein (p.Val1429Ala). The valine residue is highly conserved and there is a small physicochemical difference between valine and alanine.